The following is an entry in ClinVar:

ClinVar aggregate classification (germline): Uncertain significance (1 of 4 stars; one submission).

Conditions:
Inborn genetic diseases. Identifiers: MedGen C0950123, MeSH D030342.

Submission:

Ambry Genetics
Classification: Uncertain significance for Inborn genetic diseases. Last evaluated: 2021-12-03. Review status: criteria provided, single submitter. Criteria: Ambry Variant Classification Scheme 2023. Collection method: clinical testing. Allele origin: germline.
Comment: The p.H1294N variant (also known as c.3880C>A), located in coding exon 28 of the LTBP3 gene, results from a C to A substitution at nucleotide position 3880. The histidine at codon 1294 is replaced by asparagine, an amino acid with similar properties. This amino acid position is conserved. In addition, the in silico prediction for this alteration is inconclusive. Since supporting evidence is limited at this time, the clinical significance of this alteration remains unclear.

NM_001130144.3(LTBP3):c.3880C>A (p.His1294Asn)

Gene: LTBP3 (latent transforming growth factor beta binding protein 3; minus strand). Cytogenetic location: 11q13.1.
Variant type: single nucleotide variant.
Coding change: c.3880C>A on transcript NM_001130144.3 (MANE Select); coding-DNA position 3880, C replaced by A.
Protein change: p.His1294Asn; replaces histidine 1294 with asparagine.
Molecular consequence: missense variant.
Genome position (GRCh38, 1-based): chr11:65,539,112, G>T on the plus strand (C>A on the coding strand, the complement: LTBP3 is on the minus strand). VCF-style: chr11-65539112-G-T. GRCh37 (hg19) VCF-style: chr11-65306583-G-T.
Other names: c.3388C>A, p.His1130Asn (NM_001164266.1); c.3739C>A, p.His1247Asn (NM_021070.4); short protein forms H1247N, H1294N, H1130N.
Identifiers: ClinVar variation 1735813 (VCV001735813.2), dbSNP rs1352700305, ClinGen allele CA381265810.